The following is an entry in ClinVar:

NM_007294.4(BRCA1):c.1872A>C (p.Glu624Asp)

Gene: BRCA1 (BRCA1 DNA repair associated; minus strand). Cytogenetic location: 17q21.31.
Variant type: single nucleotide variant.
Coding change: c.1872A>C on transcript NM_007294.4 (MANE Select); coding-DNA position 1872, A replaced by C.
Protein change: p.Glu624Asp; replaces glutamic acid 624 with aspartic acid.
Molecular consequence: missense variant. On other transcripts: intron variant (137).
Genome position (GRCh38, 1-based): chr17:43,093,659, T>G on the plus strand (A>C on the coding strand, the complement: BRCA1 is on the minus strand). VCF-style: chr17-43093659-T-G. GRCh37 (hg19) VCF-style: chr17-41245676-T-G.
Other names: c.1869A>C, p.Glu623Asp (NM_001407590.1, NM_001407591.1, NM_001407861.1 and 22 more transcripts); c.1872A>C, p.Glu624Asp (NM_001407593.1, NM_001407594.1, NM_001407596.1 and 30 more transcripts); c.1746A>C, p.Glu582Asp (NM_001407649.1, NM_001407670.1, NM_001407671.1 and 11 more transcripts); c.1794A>C, p.Glu598Asp (NM_001407653.1, NM_001407654.1, NM_001407655.1 and 4 more transcripts); c.1791A>C, p.Glu597Asp (NM_001407659.1, NM_001407660.1, NM_001407661.1 and 1 more transcripts); c.1749A>C, p.Glu583Asp (NM_001407674.1, NM_001407675.1, NM_001407676.1 and 19 more transcripts); c.1731A>C, p.Glu577Asp (NM_001407692.1, NM_001407694.1, NM_001407695.1 and 29 more transcripts); c.1728A>C, p.Glu576Asp (NM_001407740.1, NM_001407741.1, NM_001407742.1 and 20 more transcripts); and 40 more; short protein forms E512D, E553D, E576D, E582D, E597D, E621D, E328D, E598D.
Identifiers: ClinVar variation 3992640 (VCV003992640.1).

ClinVar aggregate classification (germline): Uncertain significance (1 of 4 stars; one submission).

Conditions:
Hereditary cancer-predisposing syndrome. Also called: Tumor predisposition; Hereditary neoplastic syndrome; Neoplastic Syndromes, Hereditary; Hereditary Cancer Syndrome. Identifiers: Orphanet 140162, MedGen C0027672, MeSH D009386, MONDO:0015356.

Submission:

Ambry Genetics
Classification: Uncertain significance for Hereditary cancer-predisposing syndrome. Last evaluated: 2025-06-14. Review status: criteria provided, single submitter. Criteria: Ambry Variant Classification Scheme 2023. Collection method: clinical testing. Allele origin: germline.
Comment: The p.E624D variant (also known as c.1872A>C), located in coding exon 9 of the BRCA1 gene, results from an A to C substitution at nucleotide position 1872. The glutamic acid at codon 624 is replaced by aspartic acid, an amino acid with highly similar properties. This amino acid position is conserved. In addition, the in silico prediction for this alteration is inconclusive. Based on the available evidence, the clinical significance of this variant remains unclear.